The following is an entry in ClinVar:

NM_000283.4(PDE6B):c.1841dup (p.Asn614fs)

Gene: PDE6B (phosphodiesterase 6B; plus strand). Cytogenetic location: 4p16.3.
Variant type: Duplication.
Coding change: c.1841dup on transcript NM_000283.4 (MANE Select); coding-DNA position 1841, one base duplicated (A; older notation c.1841dupA).
Protein change: p.Asn614fs; shifts the reading frame from asparagine 614.
Molecular consequence: frameshift variant.
Genome position (GRCh38, 1-based): chr4:663,108, A duplicated; the last of 2 consecutive A bases (chr4:663,107-663,108); duplicating either gives the same sequence. VCF-style (leftmost placement, unchanged base first): chr4-663106-G-GA. GRCh37 (hg19) VCF-style: chr4-656895-G-GA.
Other names: c.1841dup, p.Asn614fs (NM_001145291.2); c.1004dup, p.Asn335fs (NM_001145292.2, NM_001350154.3, NM_001379246.1 and 1 more transcripts); c.686dup, p.Asn229fs (NM_001350155.3); c.1841dupA (NM_000283.3); short protein forms N614fs, N335fs, N229fs.
Identifiers: ClinVar variation 866127 (VCV000866127.10), dbSNP rs747970185, ClinGen allele CA2794728.

ClinVar aggregate classification (germline): Pathogenic/Likely pathogenic. Review status: criteria provided, multiple submitters, no conflicts (2 of 4 stars). 3 submissions from 3 submitters: Pathogenic (2); Likely pathogenic (1). Last evaluated 2025-10-17.

Conditions:
PDE6B-related disorder. Also called: PDE6B-related disease; PDE6B-related condition; PDE6B-related disorders.

Submissions (3):

PreventionGenetics, part of Exact Sciences
Classification: Pathogenic for PDE6B-related condition. Last evaluated: 2025-10-17. Review status: criteria provided, single submitter. Criteria: ACMG Guidelines, 2015. Collection method: clinical testing. Allele origin: germline.
Comment: The PDE6B c.1841dupA variant is predicted to result in a frameshift and premature protein termination (p.Asn614Lysfs*5). This variant was previously reported in a large cohort of individuals with retinal disease (supplementary data, Karali et al. 2022. PubMed ID: 36460718). This variant is reported in 0.00088% of alleles in individuals of European (Non-Finnish) descent in gnomAD. Frameshift variants in PDE6B are expected to be pathogenic. This variant is interpreted as pathogenic.

Labcorp Genetics (formerly Invitae), Labcorp
Classification: Pathogenic. Last evaluated: 2024-03-10. Review status: criteria provided, single submitter. Criteria: Invitae Variant Classification Sherloc (09022015). Collection method: clinical testing. Allele origin: germline.
Comment: This sequence change creates a premature translational stop signal (p.Asn614Lysfs*5) in the PDE6B gene. It is expected to result in an absent or disrupted protein product. Loss-of-function variants in PDE6B are known to be pathogenic (PMID: 8394174, 8595886, 22334370). This variant is present in population databases (rs747970185, gnomAD 0.0009%). This variant has not been reported in the literature in individuals affected with PDE6B-related conditions. ClinVar contains an entry for this variant (Variation ID: 866127). For these reasons, this variant has been classified as Pathogenic.

Blueprint Genetics
Classification: Likely pathogenic for PDE6B-related disorders. Last evaluated: 2021-03-09. Review status: criteria provided, single submitter. Criteria: ACMG Guidelines, 2015. Collection method: clinical testing. Allele origin: germline. Affected: yes. Observed: 2 variant alleles.

Literature cited by the submitters: PubMed 8394174 (cited by Labcorp Genetics (formerly Invitae), Labcorp); PubMed 8595886 (cited by Labcorp Genetics (formerly Invitae), Labcorp); PubMed 22334370 (cited by Labcorp Genetics (formerly Invitae), Labcorp).